The following is an entry in ClinVar:

ClinVar aggregate classification (germline): Benign (0 of 4 stars; one submission).

Conditions:
TNS1-related disorder. Also called: TNS1-related condition.

Allele frequency attached by ClinVar (database versions not stated): gnomAD exomes 0.00036; ExAC 0.00138; 1000 Genomes Project 30x 0.00265; 1000 Genomes Project 0.00319; gnomAD 0.00379; TOPMed 0.00407; ESP Exome Variant Server 0.00477.
gnomAD v4.1: 1,114 of 1,597,162 alleles (0.07%); highest among the groups gnomAD compares: African/African-American, 1.4%; 6 homozygotes.

Submission:

PreventionGenetics, part of Exact Sciences
Classification: Benign for TNS1-related condition. Last evaluated: 2019-02-22. Review status: no assertion criteria provided. Collection method: clinical testing. Allele origin: germline.
Comment: This variant is classified as benign based on ACMG/AMP sequence variant interpretation guidelines (Richards et al. 2015 PMID: 25741868, with internal and published modifications).

NM_001387777.1(TNS1):c.542T>G (p.Leu181Arg)

Gene: TNS1 (tensin 1; minus strand). Cytogenetic location: 2q35.
Variant type: single nucleotide variant.
Coding change: c.542T>G on transcript NM_001387777.1 (MANE Select); coding-DNA position 542, T replaced by G.
Protein change: p.Leu181Arg; replaces leucine 181 with arginine.
Molecular consequence: missense variant.
Genome position (GRCh38, 1-based): chr2:217,897,799, A>C on the plus strand (T>G on the coding strand, the complement: TNS1 is on the minus strand). VCF-style: chr2-217897799-A-C. GRCh37 (hg19) VCF-style: chr2-218762522-A-C.
Other names: c.167T>G, p.Leu56Arg (NM_001308022.2, NM_001308023.2, NM_022648.7); short protein forms L181R, L56R.
Identifiers: ClinVar variation 3040134 (VCV003040134.2), dbSNP rs148888599, ClinGen allele CA2100903.